The following is an entry in ClinVar:

NM_004817.4(TJP2):c.1367C>A (p.Pro456His)

Gene: TJP2 (tight junction protein 2; plus strand). Cytogenetic location: 9q21.11.
Variant type: single nucleotide variant.
Coding change: c.1367C>A on transcript NM_004817.4 (MANE Select); coding-DNA position 1367, C replaced by A.
Protein change: p.Pro456His; replaces proline 456 with histidine.
Molecular consequence: missense variant.
Genome position (GRCh38, 1-based): chr9:69,228,028, C>A. VCF-style: chr9-69228028-C-A. GRCh37 (hg19) VCF-style: chr9-71842944-C-A.
Other names: c.1298C>A, p.Pro433His (NM_001170414.2, NM_001369871.1); c.1379C>A, p.Pro460His (NM_001170415.1, NM_001369874.1, NM_001369875.1); c.1460C>A, p.Pro487His (NM_001170416.2); c.1292C>A, p.Pro431His (NM_001369870.1); c.1367C>A, p.Pro456His (NM_001369872.1, NM_001369873.1, NM_201629.3); short protein forms P431H, P433H, P456H, P460H, P487H.
Identifiers: ClinVar variation 2442510 (VCV002442510.2), dbSNP rs781223196, ClinGen allele CA5073287.

ClinVar aggregate classification (germline): Uncertain significance (1 of 4 stars; one submission).

Allele frequency attached by ClinVar (database versions not stated): ExAC 0.00001; gnomAD exomes 0.00001; TOPMed 0.00001.
gnomAD v4.1: 12 of 1,614,038 alleles (0.00074%); highest among the groups gnomAD compares: Non-Finnish European, 0.00093%; no homozygotes.

Submission:

GeneDx
Classification: Uncertain significance. Last evaluated: 2025-04-10. Review status: criteria provided, single submitter. Criteria: GeneDx Variant Classification Process June 2021. Collection method: clinical testing. Allele origin: germline. Affected: yes.
Comment: Not observed at significant frequency in large population cohorts (gnomAD); In silico analysis supports that this missense variant has a deleterious effect on protein structure/function; Has not been previously published as pathogenic or benign to our knowledge